The following is an entry in ClinVar:

ClinVar aggregate classification (germline): Likely pathogenic. Review status: criteria provided, multiple submitters, no conflicts (2 of 4 stars). 2 submissions from 2 submitters: Likely pathogenic (2). Last evaluated 2023-12-30.

Conditions:
Junctional epidermolysis bullosa with pyloric atresia. Also called: APLASIA CUTIS CONGENITA WITH GASTROINTESTINAL ATRESIA; CARMI SYNDROME; EB-PA-ACC; ITGB4-Related Epidermolysis Bullosa with Pyloric Atresia; EPIDERMOLYSIS BULLOSA, JUNCTIONAL 5B, WITH PYLORIC ATRESIA; Junctional Epidermolysis Bullosa- Pyloric Atresia Syndrome. Identifiers: Orphanet 79403, MedGen C5676875, MONDO:0009183, OMIM 226730.
Epidermolysis bullosa, junctional 5A, intermediate. Also called: EPIDERMOLYSIS BULLOSA, JUNCTIONAL 5A, GENERALIZED INTERMEDIATE; EPIDERMOLYSIS BULLOSA, JUNCTIONAL 5A, NON-HERLITZ TYPE. Identifiers: MedGen C5676956, MONDO:0030768, OMIM 619816.

Allele frequency attached by ClinVar (database versions not stated): TOPMed 0.00002; ExAC 0.00003; gnomAD exomes 0.00001; gnomAD 0.00002.
gnomAD v4.1: 17 of 1,612,164 alleles (0.0011%); highest among the groups gnomAD compares: Non-Finnish European, 0.00025%; no homozygotes.

Submissions (2):

Fulgent Genetics
Classification: Likely pathogenic for Junctional epidermolysis bullosa with pyloric atresia; Epidermolysis bullosa, junctional 5A, intermediate. Last evaluated: 2023-12-30. Review status: criteria provided, single submitter. Criteria: ACMG Guidelines, 2015. Collection method: clinical testing. Allele origin: germline.

Labcorp Genetics (formerly Invitae), Labcorp
Classification: Likely pathogenic. Last evaluated: 2023-09-29. Review status: criteria provided, single submitter. Criteria: Invitae Variant Classification Sherloc (09022015). Collection method: clinical testing. Allele origin: germline.
Comment: This sequence change affects a donor splice site in intron 36 of the ITGB4 gene. It is expected to disrupt RNA splicing. Variants that disrupt the donor or acceptor splice site typically lead to a loss of protein function (PMID: 16199547), and loss-of-function variants in ITGB4 are known to be pathogenic (PMID: 11328943, 16473856). This variant is present in population databases (rs748223473, gnomAD 0.06%). This variant has not been reported in the literature in individuals affected with ITGB4-related conditions. Algorithms developed to predict the effect of sequence changes on RNA splicing suggest that this variant may disrupt the consensus splice site. In summary, the currently available evidence indicates that the variant is pathogenic, but additional data are needed to prove that conclusively. Therefore, this variant has been classified as Likely Pathogenic.

Literature cited by the submitters: PubMed 16199547 (cited by Labcorp Genetics (formerly Invitae), Labcorp); PubMed 11328943 (cited by Labcorp Genetics (formerly Invitae), Labcorp); PubMed 16473856 (cited by Labcorp Genetics (formerly Invitae), Labcorp).

NM_000213.5(ITGB4):c.5053+1G>A

Genes: GALK1 (galactokinase 1; minus strand), ITGB4 (integrin subunit beta 4; plus strand). Cytogenetic location: 17q25.1.
Variant type: single nucleotide variant.
Coding change: c.5053+1G>A on transcript NM_000213.5 (MANE Select); the canonical splice donor site of the intron after coding-DNA position 5053, G replaced by A.
Molecular consequence: splice donor variant. On other transcripts: intron variant (1).
Genome position (GRCh38, 1-based): chr17:75,756,860, G>A. VCF-style: chr17-75756860-G-A. GRCh37 (hg19) VCF-style: chr17-73752941-G-A.
Other names: c.5002+1G>A (NM_001005619.2); c.4843+1G>A (NM_001005731.3, NM_001321123.2); c.4693+1G>A (NM_001438834.1); c.*22+1174C>T (NM_001381985.1).
Identifiers: ClinVar variation 2737652 (VCV002737652.4), dbSNP rs748223473, ClinGen allele CA8770407.
Genomic context (GRCh38, chr17:75,756,860, plus strand): 5'-GGAGGCCCAATGGGGATATCGTCGGCTACCTGGTGACCTGTGAGATGGCCCAAGGAGGAG[G>A]TGCTGCCCACCCCGGGGGCAGGAGTGGCCAGGGGAGGGGTAAAGAGGGGGCCGCAGACGC-3'